The following is an entry in ClinVar:

ClinVar aggregate classification (germline): Uncertain significance (1 of 4 stars; one submission).

Conditions:
Familial thoracic aortic aneurysm and aortic dissection (TAAD). Also called: Thoracic aortic aneurysms and dissections. Identifiers: Orphanet 91387, MedGen C4707243, MONDO:0019625.

Submission:

Ambry Genetics
Classification: Uncertain significance for Familial thoracic aortic aneurysm and aortic dissection. Last evaluated: 2024-12-28. Review status: criteria provided, single submitter. Criteria: Ambry Variant Classification Scheme 2023. Collection method: clinical testing. Allele origin: germline.
Comment: The p.D1144E variant (also known as c.3432C>G), located in coding exon 21 of the NOTCH1 gene, results from a C to G substitution at nucleotide position 3432. The aspartic acid at codon 1144 is replaced by glutamic acid, an amino acid with highly similar properties. This amino acid position is conserved. In addition, this alteration is predicted to be tolerated by in silico analysis. Based on the available evidence, the clinical significance of this variant remains unclear.

NM_017617.5(NOTCH1):c.3432C>G (p.Asp1144Glu)

Gene: NOTCH1 (notch receptor 1; minus strand). Cytogenetic location: 9q34.3.
Variant type: single nucleotide variant.
Coding change: c.3432C>G on transcript NM_017617.5 (MANE Select); coding-DNA position 3432, C replaced by G.
Protein change: p.Asp1144Glu; replaces aspartic acid 1144 with glutamic acid.
Molecular consequence: missense variant.
Genome position (GRCh38, 1-based): chr9:136,508,033, G>C on the plus strand (C>G on the coding strand, the complement: NOTCH1 is on the minus strand). VCF-style: chr9-136508033-G-C. GRCh37 (hg19) VCF-style: chr9-139402485-G-C.
Other names: short protein forms D1144E.
Identifiers: ClinVar variation 3880466 (VCV003880466.1).